The following is an entry in ClinVar:

NM_000282.4(PCCA):c.2086C>T (p.Gln696Ter)

Gene: PCCA (propionyl-CoA carboxylase subunit alpha; plus strand). Cytogenetic location: 13q32.3.
Variant type: single nucleotide variant.
Coding change: c.2086C>T on transcript NM_000282.4 (MANE Select); coding-DNA position 2086, C replaced by T.
Protein change: p.Gln696Ter; replaces glutamine 696 with a stop codon.
Molecular consequence: nonsense. On other transcripts: non-coding transcript variant (5).
Genome position (GRCh38, 1-based): chr13:100,527,720, C>T. VCF-style: chr13-100527720-C-T. GRCh37 (hg19) VCF-style: chr13-101179974-C-T.
Other names: c.2008C>T, p.Gln670Ter (NM_001127692.3); c.1945C>T, p.Gln649Ter (NM_001178004.2); c.2032C>T, p.Gln678Ter (NM_001352605.2); c.1942C>T, p.Gln648Ter (NM_001352606.2); c.1867C>T, p.Gln623Ter (NM_001352607.2); c.1864C>T, p.Gln622Ter (NM_001352608.2); c.1141C>T, p.Gln381Ter (NM_001352610.2); c.1087C>T, p.Gln363Ter (NM_001352611.2); and 2 more; short protein forms Q333*, Q363*, Q381*, Q622*, Q623*, Q648*, Q649*, Q670*.
Identifiers: ClinVar variation 2677512 (VCV002677512.3), dbSNP rs2549086402, ClinGen allele CA388640677.
Genomic context (GRCh38, chr13:100,527,720, plus strand): 5'-ATTTTTGTTTTCCAGGTAGCAGAAGGTCAAGAAATTTGTGTGATTGAAGCCATGAAAATG[C>T]AGAATAGTATGACAGCTGGGAAAACTGGCACGGTGAGTCCCTAAGTCCCCATCAGCCCAG-3'

ClinVar aggregate classification (germline): Likely pathogenic. Review status: criteria provided, multiple submitters, no conflicts (2 of 4 stars). 3 submissions from 3 submitters: Likely pathogenic (3). Last evaluated 2024-08-08.

Conditions:
Propionic acidemia (PROP). Also called: GLYCINEMIA, KETOTIC; HYPERGLYCINEMIA WITH KETOACIDOSIS AND LEUKOPENIA; KETOTIC HYPERGLYCINEMIA. Identifiers: Orphanet 35, MedGen C0268579, MONDO:0011628, OMIM 606054, HP:0003571.

Allele frequency attached by ClinVar (database versions not stated): gnomAD exomes below 0.00001.
gnomAD v4.1: 1 of 1,613,862 alleles (0.000062%); no homozygotes.

Submissions (3):

Natera, Inc.
Classification: Likely pathogenic for Propionic acidemia. Last evaluated: 2024-08-08. Review status: criteria provided, single submitter. Criteria: Natera Variant Classification Schema (03/2026). Collection method: clinical testing. Allele origin: germline.
Comment: The c.2086C>T variant in PCCA is a nonsense variant predicted to introduce a stop codon at amino acid 696. This variant is expected to result in nonsense mediated decay, truncation, or a dysfunctional protein product. This variant is rare in the general population with a frequency below the threshold expected for the associated phenotype(s). Given the available evidence, this variant is classified as Likely Pathogenic.

Fulgent Genetics
Classification: Likely pathogenic for Propionic acidemia. Last evaluated: 2024-05-22. Review status: criteria provided, single submitter. Criteria: ACMG Guidelines, 2015. Collection method: clinical testing. Allele origin: germline.

Baylor Genetics
Classification: Likely pathogenic for Propionic acidemia. Last evaluated: 2022-02-12. Review status: criteria provided, single submitter. Criteria: ACMG Guidelines, 2015. Collection method: clinical testing. Allele origin: unknown.